The following is an entry in ClinVar:

NM_000096.4(CP):c.583G>A (p.Gly195Arg)

Gene: CP (ceruloplasmin; minus strand). Cytogenetic location: 3q25.1.
Variant type: single nucleotide variant.
Coding change: c.583G>A on transcript NM_000096.4 (MANE Select); coding-DNA position 583, G replaced by A.
Protein change: p.Gly195Arg; replaces glycine 195 with arginine.
Molecular consequence: missense variant. On other transcripts: non-coding transcript variant (1).
Genome position (GRCh38, 1-based): chr3:149,210,191, C>T on the plus strand (G>A on the coding strand, the complement: CP is on the minus strand). VCF-style: chr3-149210191-C-T. GRCh37 (hg19) VCF-style: chr3-148927978-C-T.
Other names: p.Gly195Arg; short protein forms G195R.
Identifiers: ClinVar variation 521552 (VCV000521552.27), dbSNP rs750451693, ClinGen allele CA2661289.

ClinVar aggregate classification (germline): Likely pathogenic. Review status: criteria provided, multiple submitters, no conflicts (2 of 4 stars). 7 submissions from 7 submitters: Likely pathogenic (7). Last evaluated 2026-01-17.

Conditions:
CP-related disorder. Also called: CP-related condition.
Inborn genetic diseases. Identifiers: MedGen C0950123, MeSH D030342.
Deficiency of ferroxidase (ACEP). Also called: NEURODEGENERATION WITH BRAIN IRON ACCUMULATION 10; Aceruloplasminemia; Ceruloplasmin deficiency; Familial apoceruloplasmin deficiency; Hereditary ceruloplasmin deficiency; Deficiency of ceruloplasmin. Identifiers: Orphanet 48818, MedGen C0878682, MONDO:0011426, OMIM 604290, HP:0025498.
Neurodegeneration with brain iron accumulation (NBIA). Identifiers: Orphanet 385, MedGen C2931845, MONDO:0018307.

Allele frequency attached by ClinVar (database versions not stated): ExAC 0.00001; gnomAD exomes 0.00001 and 0.00002; gnomAD 0.00002; TOPMed 0.00002.
gnomAD v4.1: 19 of 1,613,778 alleles (0.0012%); highest among the groups gnomAD compares: African/African-American, 0.004%; no homozygotes.

Submissions (7):

GeneDx
Classification: Likely pathogenic. Last evaluated: 2026-01-17. Review status: criteria provided, single submitter. Criteria: GeneDx Variant Classification Process June 2021. Collection method: clinical testing. Allele origin: germline. Affected: yes.
Comment: Previously reported in a patient with aceruloplasminemia; however, it is not clear if this was seen in the homozygous or heterozygous state with a second variant, and no additional family history or clinical information was provided (PMID: 16775387); Published functional studies demonstrate a damaging effect through abnormal protein retention in the endoplasmic reticulum leading to decreased cell viability (PMID: 16775387); Not observed at significant frequency in large population cohorts (gnomAD); In silico analysis supports that this missense variant has a deleterious effect on protein structure/function; Also known as G176R; This variant is associated with the following publications: (PMID: 34426522, 16775387, 32235485, 20655381, 16629161, 36595688)

Dasa
Classification: Likely pathogenic. Last evaluated: 2025-09-13. Review status: criteria provided, single submitter. Criteria: DASA Assertion Criteria. Collection method: clinical testing. Allele origin: germline.
Comment: NM_000096.4(CP):c.583G>A (p.Gly195Arg) is a missense variant that results in the substitution of glycine with arginine. This variant has been reported in individuals with CP-related disorders (PMID: 16775387). Functional evidence supports an impact on the gene or gene product (PMID: 16775387). Also, this variant is rare in population databases. Computational evidence supports a deleterious effect. Based on the currently available evidence, this variant is classified as likely pathogenic.

Women's Health and Genetics/Laboratory Corporation of America, LabCorp
Classification: Likely pathogenic for Neurodegeneration with brain iron accumulation. Last evaluated: 2025-06-05. Review status: criteria provided, single submitter. Criteria: LabCorp Variant Classification Summary - May 2015. Collection method: clinical testing. Allele origin: germline.
Comment: Variant summary: CP c.583G>A (p.Gly195Arg) results in a non-conservative amino acid change in the encoded protein sequence. Algorithms developed to predict the effect of missense changes on protein structure and function all suggest that this variant is likely to be disruptive. The variant allele was found at a frequency of 1.6e-05 in 251348 control chromosomes. c.583G>A (aka G176R) has been reported in the literature as a non-informative genotype (second allele not specified) in at-least one individual affected with features of aceruloplasminemia who has been subsequently cited by others (example, Kono_2006 cited in Vila-Cuenca_2020) and also in the presumed compound heterozygous in 1 individual with clinical features of aceruloplasminemia (Labcorp Genetics (formerly Invitae)). These report(s) do not provide unequivocal conclusions about association of the variant with Neurodegeneration With Brain Iron Accumulation. Publications also reported experimental evidence evaluating an impact on protein function, and demonstrated that the G176R variant protein accumulated in the endoplasmic reticulum (ER), resulting increased ER stress response and lower cell viability (e.g. Kono_2006, Kono_2010, Thepsuwan_2023). The following publications have been ascertained in the context of this evaluation (PMID: 20655381, 16629161, 16775387, 36595688, 32235485). ClinVar contains an entry for this variant (Variation ID: 521552). Based on the evidence outlined above, the variant was classified as likely pathogenic.

PreventionGenetics, part of Exact Sciences
Classification: Likely pathogenic for CP-related condition. Last evaluated: 2025-06-02. Review status: criteria provided, single submitter. Criteria: ACMG Guidelines, 2015. Collection method: clinical testing. Allele origin: germline.
Comment: The CP c.583G>A variant is predicted to result in the amino acid substitution p.Gly195Arg. This variant was found in a patient with aceruloplasminemia and a functional study showed this variant caused retention of the protein in endoplasmic reticulum, induced the endoplasmic reticulum stress response and thus decreased cell viability (reported as G176R in Kono et al. 2006. PubMed ID: 16775387). In ClinVar, this variant is classified as likely pathogenic or uncertain by outside laboratories. This variant is reported in 0.0040% of alleles in individuals of African descent in gnomAD. This variant is interpreted as likely pathogenic.

Labcorp Genetics (formerly Invitae), Labcorp
Classification: Likely pathogenic for Deficiency of ferroxidase. Last evaluated: 2024-12-08. Review status: criteria provided, single submitter. Criteria: Invitae Variant Classification Sherloc (09022015). Collection method: clinical testing. Allele origin: germline.
Comment: This sequence change replaces glycine, which is neutral and non-polar, with arginine, which is basic and polar, at codon 195 of the CP protein (p.Gly195Arg). This variant is present in population databases (rs750451693, gnomAD 0.004%). This missense change has been observed in individual(s) with aceruloplasminemia (PMID: 16629161; internal data). In at least one individual the data is consistent with being in trans (on the opposite chromosome) from a pathogenic variant. This variant is also known as G176R. ClinVar contains an entry for this variant (Variation ID: 521552). Invitae Evidence Modeling of protein sequence and biophysical properties (such as structural, functional, and spatial information, amino acid conservation, physicochemical variation, residue mobility, and thermodynamic stability) indicates that this missense variant is expected to disrupt CP protein function with a positive predictive value of 80%. Experimental studies have shown that this missense change affects CP function (PMID: 16775387, 36595688). In summary, the currently available evidence indicates that the variant is pathogenic, but additional data are needed to prove that conclusively. Therefore, this variant has been classified as Likely Pathogenic.

Mayo Clinic Laboratories, Mayo Clinic
Classification: Likely pathogenic. Last evaluated: 2024-11-04. Review status: criteria provided, single submitter. Criteria: ACMG Guidelines, 2015. Collection method: clinical testing. Allele origin: germline. Observed: 1 variant allele.
Comment: PP3, PM2_supporting, PS3

Ambry Genetics
Classification: Likely pathogenic for Inborn genetic diseases. Last evaluated: 2017-01-31. Review status: criteria provided, single submitter. Criteria: Ambry exome assertion method (8-5-2015). Collection method: clinical testing. Allele origin: germline. Affected: yes. Observed: 1 variant allele.

Literature cited by the submitters: PubMed 16775387 (cited by 4 submitters); PubMed 20655381 (cited by Women's Health and Genetics/Laboratory Corporation of America, LabCorp and Mayo Clinic Laboratories, Mayo Clinic); PubMed 32235485 (cited by Women's Health and Genetics/Laboratory Corporation of America, LabCorp and Mayo Clinic Laboratories, Mayo Clinic); PubMed 16629161 (cited by 3 submitters); PubMed 36595688 (cited by 3 submitters).